The following is an entry in ClinVar:

ClinVar aggregate classification (germline): Uncertain significance (1 of 4 stars; one submission).

Submission:

Labcorp Genetics (formerly Invitae), Labcorp
Classification: Uncertain significance. Last evaluated: 2022-03-22. Review status: criteria provided, single submitter. Criteria: Invitae Variant Classification Sherloc (09022015). Collection method: clinical testing. Allele origin: germline.
Comment: In summary, the available evidence is currently insufficient to determine the role of this variant in disease. Therefore, it has been classified as a Variant of Uncertain Significance. Algorithms developed to predict the effect of missense changes on protein structure and function are either unavailable or do not agree on the potential impact of this missense change (SIFT: "Not Available"; PolyPhen-2: "Possibly Damaging"; Align-GVGD: "Not Available"). This variant has not been reported in the literature in individuals affected with UNC80-related conditions. This variant is not present in population databases (gnomAD no frequency). This sequence change replaces glycine with aspartic acid at codon 15 of the UNC80 protein (p.Gly15Asp). The glycine residue is weakly conserved and there is a moderate physicochemical difference between glycine and aspartic acid.

NM_001371986.1(UNC80):c.44G>A (p.Gly15Asp)

Gene: UNC80 (unc-80 subunit of NALCN channel complex; plus strand). Cytogenetic location: 2q34.
Variant type: single nucleotide variant.
Coding change: c.44G>A on transcript NM_001371986.1 (MANE Select); coding-DNA position 44, G replaced by A.
Protein change: p.Gly15Asp; replaces glycine 15 with aspartic acid.
Molecular consequence: missense variant.
Genome position (GRCh38, 1-based): chr2:209,772,116, G>A. VCF-style: chr2-209772116-G-A. GRCh37 (hg19) VCF-style: chr2-210636840-G-A.
Other names: c.44G>A, p.Gly15Asp (NM_032504.2, NM_182587.4); short protein forms G15D.
Identifiers: ClinVar variation 1366347 (VCV001366347.6), dbSNP rs1574377240, ClinGen allele CA350124257.
Genomic context (GRCh38, chr2:209,772,116, plus strand): 5'-TCCCGGGAGCCACCATTATGGTGAAGAGGAAGAGCTCCGAGGGCCAGGAGCAGGACGGCG[G>A]CCGCGGCATCCCCCTGCCCATCCAGACCTTCCTGTGGCGGCAAACCAGGTGAGGGGCGCA-3'
Protein context (NP_001358915.1, residues 5-25): KSSEGQEQDG[Gly15Asp]RGIPLPIQTF